The following is an entry in ClinVar:

ClinVar aggregate classification (germline): Uncertain significance (1 of 4 stars; one submission).

Submission:

Labcorp Genetics (formerly Invitae), Labcorp
Classification: Uncertain significance. Last evaluated: 2025-05-04. Review status: criteria provided, single submitter. Criteria: Invitae Variant Classification Sherloc (09022015). Collection method: clinical testing. Allele origin: germline.
Comment: This sequence change replaces isoleucine, which is neutral and non-polar, with threonine, which is neutral and polar, at codon 729 of the ACAN protein (p.Ile729Thr). This variant is present in population databases (no rsID available, gnomAD no frequency). This variant has not been reported in the literature in individuals affected with ACAN-related conditions. Invitae Evidence Modeling of protein sequence and biophysical properties (such as structural, functional, and spatial information, amino acid conservation, physicochemical variation, residue mobility, and thermodynamic stability) indicates that this missense variant is not expected to disrupt ACAN protein function with a negative predictive value of 80%. In summary, the available evidence is currently insufficient to determine the role of this variant in disease. Therefore, it has been classified as a Variant of Uncertain Significance.

NM_001369268.1(ACAN):c.2186T>C (p.Ile729Thr)

Gene: ACAN (aggrecan; plus strand). Cytogenetic location: 15q26.1.
Variant type: single nucleotide variant.
Coding change: c.2186T>C on transcript NM_001369268.1 (MANE Select); coding-DNA position 2186, T replaced by C.
Protein change: p.Ile729Thr; replaces isoleucine 729 with threonine.
Molecular consequence: missense variant.
Genome position (GRCh38, 1-based): chr15:88,851,953, T>C. VCF-style: chr15-88851953-T-C. GRCh37 (hg19) VCF-style: chr15-89395184-T-C.
Other names: c.2186T>C, p.Ile729Thr (NM_001135.4, NM_001411096.1, NM_001411097.1 and 1 more transcripts); short protein forms I729T.
Identifiers: ClinVar variation 4760572 (VCV004760572.1).
Genomic context (GRCh38, chr15:88,851,953, plus strand): 5'-TGGCTGCTGTCCCCGTAGAAGAGGAGACAACTGCTGTACCCTCAGGGGAGACTACTGCCA[T>C]CCTAGAGTTCACCACCGAGCCAGAAAACCAGACAGAATGGGAACCAGCCTATACCCCAGT-3'
Protein context (NP_001356197.1, residues 719-739): TAVPSGETTA[Ile729Thr]LEFTTEPENQ